The following is an entry in ClinVar:

ClinVar aggregate classification (germline): Uncertain significance (1 of 4 stars; one submission).

Submission:

Labcorp Genetics (formerly Invitae), Labcorp
Classification: Uncertain significance. Last evaluated: 2022-07-19. Review status: criteria provided, single submitter. Criteria: Invitae Variant Classification Sherloc (09022015). Collection method: clinical testing. Allele origin: germline.
Comment: In summary, the available evidence is currently insufficient to determine the role of this variant in disease. Therefore, it has been classified as a Variant of Uncertain Significance. Algorithms developed to predict the effect of sequence changes on RNA splicing suggest that this variant may create or strengthen a splice site. This variant has not been reported in the literature in individuals affected with ACO2-related conditions. This variant is present in population databases (no rsID available, gnomAD 0.01%). This sequence change affects codon 365 of the ACO2 mRNA. It is a 'silent' change, meaning that it does not change the encoded amino acid sequence of the ACO2 protein.

NM_001098.3(ACO2):c.1095C>T (p.Gly365=)

Gene: ACO2 (aconitase 2; plus strand). Cytogenetic location: 22q13.2.
Variant type: single nucleotide variant.
Coding change: c.1095C>T on transcript NM_001098.3 (MANE Select); coding-DNA position 1095, C replaced by T.
Protein change: p.Gly365=; no amino-acid change (glycine 365 retained).
Molecular consequence: synonymous variant.
Genome position (GRCh38, 1-based): chr22:41,520,233, C>T. VCF-style: chr22-41520233-C-T. GRCh37 (hg19) VCF-style: chr22-41916237-C-T.
Identifiers: ClinVar variation 2058858 (VCV002058858.4), dbSNP rs1227460706, ClinGen allele CA514652675.